The following is an entry in ClinVar:

NM_001037131.3(AGAP1):c.2404G>A (p.Gly802Arg)

Gene: AGAP1 (ArfGAP with GTPase domain, ankyrin repeat and PH domain 1; plus strand). Cytogenetic location: 2q37.2.
Variant type: single nucleotide variant.
Coding change: c.2404G>A on transcript NM_001037131.3 (MANE Select); coding-DNA position 2404, G replaced by A.
Protein change: p.Gly802Arg; replaces glycine 802 with arginine.
Molecular consequence: missense variant.
Genome position (GRCh38, 1-based): chr2:236,123,952, G>A. VCF-style: chr2-236123952-G-A. GRCh37 (hg19) VCF-style: chr2-237032596-G-A.
Other names: c.3199G>A, p.Gly1067Arg (NM_001436125.1); c.3040G>A, p.Gly1014Arg (NM_001436126.1); c.2245G>A, p.Gly749Arg (NM_014914.5); short protein forms G1014R, G802R, G749R, G1067R.
Identifiers: ClinVar variation 4706899 (VCV004706899.1).
Genomic context (GRCh38, chr2:236,123,952, plus strand): 5'-CTAATGTGGGCTCCCTTACCTCCGCAGTACGGAGTGGACGTCACGGCCCGAGATGCCCAC[G>A]GGAACACAGCTCTGGCCTACGCCCGGCAGGCCTCCAGCCAGGAGTGCATCGACGTGCTGC-3'
Protein context (NP_001032208.1, residues 792-812): GVDVTARDAH[Gly802Arg]NTALAYARQA

ClinVar aggregate classification (germline): Uncertain significance (1 of 4 stars; one submission).

gnomAD v4.1: 30 of 1,613,628 alleles (0.0019%); highest among the groups gnomAD compares: South Asian, 0.0088%; no homozygotes.

Submission:

Labcorp Genetics (formerly Invitae), Labcorp
Classification: Uncertain significance. Last evaluated: 2025-11-03. Review status: criteria provided, single submitter. Criteria: Invitae Variant Classification Sherloc (09022015). Collection method: clinical testing. Allele origin: germline.
Comment: This sequence change replaces glycine, which is neutral and non-polar, with arginine, which is basic and polar, at codon 749 of the AGAP1 protein (p.Gly749Arg). This variant is present in population databases (rs754224338, gnomAD 0.01%). This variant has not been reported in the literature in individuals affected with AGAP1-related conditions. An algorithm developed to predict the effect of missense changes on protein structure and function (PolyPhen-2) suggests that this variant is likely to be tolerated. In summary, the available evidence is currently insufficient to determine the role of this variant in disease. Therefore, it has been classified as a Variant of Uncertain Significance.